The following is an entry in ClinVar:

NM_003737.4(DCHS1):c.6402C>T (p.Phe2134=)

Gene: DCHS1 (dachsous cadherin-related 1; minus strand). Cytogenetic location: 11p15.4.
Variant type: single nucleotide variant.
Coding change: c.6402C>T on transcript NM_003737.4 (MANE Select); coding-DNA position 6402, C replaced by T.
Protein change: p.Phe2134=; no amino-acid change (phenylalanine 2134 retained).
Molecular consequence: synonymous variant.
Genome position (GRCh38, 1-based): chr11:6,626,343, G>A on the plus strand (C>T on the coding strand, the complement: DCHS1 is on the minus strand). VCF-style: chr11-6626343-G-A. GRCh37 (hg19) VCF-style: chr11-6647574-G-A.
Identifiers: ClinVar variation 2641563 (VCV002641563.25), dbSNP rs755974939, ClinGen allele CA5859865.

ClinVar aggregate classification (germline): Likely benign. Review status: criteria provided, multiple submitters, no conflicts (2 of 4 stars). 2 submissions from 2 submitters: Likely benign (2). Last evaluated 2025-07-27.

Allele frequency attached by ClinVar (database versions not stated): gnomAD exomes 0.00001; TOPMed 0.00002; ExAC 0.00003; gnomAD 0.00003.
gnomAD v4.1: 15 of 1,613,472 alleles (0.00093%); highest among the groups gnomAD compares: Admixed American, 0.0017%; no homozygotes.

Submissions (2):

Labcorp Genetics (formerly Invitae), Labcorp
Classification: Likely benign. Last evaluated: 2025-07-27. Review status: criteria provided, single submitter. Criteria: Invitae Variant Classification Sherloc (09022015). Collection method: clinical testing. Allele origin: germline.

CeGaT Center for Human Genetics Tuebingen
Classification: Likely benign. Last evaluated: 2023-07-01. Review status: criteria provided, single submitter. Criteria: CeGaT Center For Human Genetics Tuebingen Variant Classification Criteria Version 2. Collection method: clinical testing. Allele origin: germline. Affected: yes. Observed: 1 variant allele.
Comment: DCHS1: BP4, BP7